The following is an entry in ClinVar:

NM_201384.3(PLEC):c.5865G>A (p.Ala1955=)

Gene: PLEC (plectin; minus strand). Cytogenetic location: 8q24.3.
Variant type: single nucleotide variant.
Coding change: c.5865G>A on transcript NM_201384.3 (MANE Select); coding-DNA position 5865, G replaced by A.
Protein change: p.Ala1955=; no amino-acid change (alanine 1955 retained).
Molecular consequence: synonymous variant.
Genome position (GRCh38, 1-based): chr8:143,924,064, C>T on the plus strand (G>A on the coding strand, the complement: PLEC is on the minus strand). VCF-style: chr8-143924064-C-T. GRCh37 (hg19) VCF-style: chr8-144998232-C-T.
Other names: p.Ala1941=; c.5946G>A, p.Ala1982= (NM_000445.5); c.5823G>A, p.Ala1941= (NM_201378.4); c.5799G>A, p.Ala1933= (NM_201379.3); c.6276G>A, p.Ala2092= (NM_201380.4); c.5769G>A, p.Ala1923= (NM_201381.3); c.5865G>A, p.Ala1955= (NM_201382.4); c.5877G>A, p.Ala1959= (NM_201383.3).
Identifiers: ClinVar variation 93066 (VCV000093066.24), dbSNP rs62642469, ClinGen allele CA146455.

ClinVar aggregate classification (germline): Benign. Review status: criteria provided, multiple submitters, no conflicts (2 of 4 stars). 7 submissions from 7 submitters: Benign (6). 1 of the submissions does not count toward it. Last evaluated 2026-02-02.

Conditions:
Epidermolysis bullosa simplex, Ogna type (EBS5A). Also called: Pidermolysis bullosa simplex 5A, Ogna type; EPIDERMOLYSIS BULLOSA SIMPLEX 5A, OGNA TYPE. Identifiers: Orphanet 79401, MedGen C0432317, MONDO:0007555, OMIM 131950.
Autosomal recessive limb-girdle muscular dystrophy type 2Q (LGMDR17). Also called: MUSCULAR DYSTROPHY, LIMB-GIRDLE, AUTOSOMAL RECESSIVE 17. Identifiers: Orphanet 254361, MedGen C3150989, MONDO:0013390, OMIM 613723.
Epidermolysis bullosa simplex 5C, with pyloric atresia (EBS5C). Also called: PLEC-Related Epidermolysis Bullosa with Pyloric Atresia; Epidermolysis bullosa simplex with pyloric atresia; PLEC1-Related Epidermolysis Bullosa with Pyloric Atresia. Identifiers: Orphanet 158684, MedGen C2677349, MONDO:0012807, OMIM 612138.
Epidermolysis bullosa simplex with nail dystrophy (EBS5D). Identifiers: MedGen C4225309, MONDO:0014661, OMIM 616487.
Epidermolysis bullosa simplex 5B, with muscular dystrophy (EBS5B). Also called: EPIDERMOLYSIS BULLOSA SIMPLEX AND LIMB-GIRDLE MUSCULAR DYSTROPHY; Epidermolysis bullosa simplex with muscular dystrophy. Identifiers: Orphanet 257, MedGen C2931072, MONDO:0009181, OMIM 226670.

Allele frequency attached by ClinVar (database versions not stated): gnomAD exomes 0.01376; ExAC 0.01711; 1000 Genomes Project 0.05331; gnomAD 0.05380 and 0.05798; 1000 Genomes Project 30x 0.05621; ESP Exome Variant Server 0.06000; TOPMed 0.06126.
gnomAD v4.1: 16,072 of 1,597,612 alleles (1%); highest among the groups gnomAD compares: African/African-American, 19%; 1,399 homozygotes.

Submissions (7):

Labcorp Genetics (formerly Invitae), Labcorp
Classification: Benign for Autosomal recessive limb-girdle muscular dystrophy type 2Q; Epidermolysis bullosa simplex, Ogna type; Epidermolysis bullosa simplex with nail dystrophy; Epidermolysis bullosa simplex 5C, with pyloric atresia; Epidermolysis bullosa simplex 5B, with muscular dystrophy. Last evaluated: 2026-02-02. Review status: criteria provided, single submitter. Criteria: Invitae Variant Classification Sherloc (09022015). Collection method: clinical testing. Allele origin: germline.

Mayo Clinic Laboratories, Mayo Clinic
Classification: Benign. Last evaluated: 2018-07-12. Review status: criteria provided, single submitter. Criteria: ACMG Guidelines, 2015. Collection method: clinical testing. Allele origin: germline. Observed: 45 variant alleles.

GeneDx
Classification: Benign. Last evaluated: 2016-03-25. Review status: criteria provided, single submitter. Criteria: GeneDx Variant Classification (06012015). Collection method: clinical testing. Allele origin: germline. Affected: yes.
Comment: This variant is considered likely benign or benign based on one or more of the following criteria: it is a conservative change, it occurs at a poorly conserved position in the protein, it is predicted to be benign by multiple in silico algorithms, and/or has population frequency not consistent with disease.

Eurofins Ntd Llc (ga)
Classification: Benign. Last evaluated: 2015-07-12. Review status: criteria provided, single submitter. Criteria: EGL Classification Definitions 2015. Collection method: clinical testing. Allele origin: germline. Observed: 2 variant alleles, 2 heterozygotes.

Laboratory for Molecular Medicine, Mass General Brigham Personalized Medicine
Classification: Benign. Last evaluated: 2015-01-13. Review status: criteria provided, single submitter. Criteria: LMM Criteria. Collection method: clinical testing. Allele origin: germline. Observed: 1 variant allele.
Comment: p.Ala2092Ala in exon 31 of PLEC: This variant is not expected to have clinical s ignificance because it does not alter an amino acid residue and is not located w ithin the splice consensus sequence. It has been identified in 17.6% (763/4338) of African American chromosomes from a broad population by the NHLBI Exome Seque ncing Project (dbSNP rs62642469).

Breakthrough Genomics
Classification: Benign. Review status: criteria provided, single submitter. Criteria: ACMG Guidelines, 2015. Collection method: not provided. Allele origin: germline. Inheritance: Autosomal recessive inheritance. Affected: yes.

Genetic Services Laboratory, University of Chicago
Classification: Likely benign for AllHighlyPenetrant. Review status: no assertion criteria provided. Collection method: clinical testing. Allele origin: germline. Inheritance: Autosomal recessive inheritance. Not counted in ClinVar's aggregate classification.
Comment: Likely benign based on allele frequency in 1000 Genomes Project or ESP global frequency and its presence in a patient with a rare or unrelated disease phenotype. NOT Sanger confirmed.